The following is an entry in ClinVar:

ClinVar aggregate classification (germline): Uncertain significance. Review status: criteria provided, multiple submitters, no conflicts (2 of 4 stars). 2 submissions from 2 submitters: Uncertain significance (2). Last evaluated 2023-08-15.

Conditions:
Classic or attenuated familial adenomatous polyposis. Identifiers: MedGen CN372698, MONDO:0021057.
Familial adenomatous polyposis 1 (FAP1). Also called: FAMILIAL ADENOMATOUS POLYPOSIS 1, ATTENUATED; POLYPOSIS, ADENOMATOUS INTESTINAL. Identifiers: MedGen C2713442, MONDO:0021056, OMIM 175100. Disease mechanism: loss of function.

Submissions (2):

All of Us Research Program, National Institutes of Health
Classification: Uncertain significance for Classic or attenuated familial adenomatous polyposis. Last evaluated: 2023-08-15. Review status: criteria provided, single submitter. Criteria: ACMG Guidelines, 2015. Collection method: clinical testing. Allele origin: germline. Inheritance: Autosomal dominant inheritance. Observed: 1 variant allele, 1 heterozygote.
Comment: This missense variant replaces lysine with glutamic acid at codon 1359 of the APC protein. Computational prediction suggests that this variant may not impact protein structure and function (internally defined REVEL score threshold <= 0.5, PMID: 27666373). To our knowledge, functional studies have not been reported for this variant. This variant has not been reported in individuals affected with APC-related disorders in the literature. This variant has not been identified in the general population by the Genome Aggregation Database (gnomAD). The available evidence is insufficient to determine the role of this variant in disease conclusively. Therefore, this variant is classified as a Variant of Uncertain Significance.

This study involves interpretation of variants in research participants for the purpose of population health screening. Participant phenotype was not available at the time of variant classification. Additional details can be found in publication PMID: 35346344, PMCID: PMC8962531

Labcorp Genetics (formerly Invitae), Labcorp
Classification: Uncertain significance for Familial adenomatous polyposis 1. Last evaluated: 2021-11-14. Review status: criteria provided, single submitter. Criteria: Invitae Variant Classification Sherloc (09022015). Collection method: clinical testing. Allele origin: germline.
Comment: This sequence change replaces lysine, which is basic and polar, with glutamic acid, which is acidic and polar, at codon 1359 of the APC protein (p.Lys1359Glu). This variant is not present in population databases (gnomAD no frequency). In summary, the available evidence is currently insufficient to determine the role of this variant in disease. Therefore, it has been classified as a Variant of Uncertain Significance. Algorithms developed to predict the effect of missense changes on protein structure and function are either unavailable or do not agree on the potential impact of this missense change (SIFT: "Tolerated"; PolyPhen-2: "Probably Damaging"; Align-GVGD: "Class C0"). This variant has not been reported in the literature in individuals affected with APC-related conditions.

NM_000038.6(APC):c.4075A>G (p.Lys1359Glu)

Gene: APC (APC regulator of Wnt signaling pathway; plus strand). Cytogenetic location: 5q22.2.
Variant type: single nucleotide variant.
Coding change: c.4075A>G on transcript NM_000038.6 (MANE Select); coding-DNA position 4075, A replaced by G.
Protein change: p.Lys1359Glu; replaces lysine 1359 with glutamic acid.
Molecular consequence: missense variant.
Genome position (GRCh38, 1-based): chr5:112,839,669, A>G. VCF-style: chr5-112839669-A-G. GRCh37 (hg19) VCF-style: chr5-112175366-A-G.
Other names: c.4075A>G, p.Lys1359Glu (NM_001127510.3, NM_001354895.2); c.4021A>G, p.Lys1341Glu (NM_001127511.3); c.4129A>G, p.Lys1377Glu (NM_001354896.2); c.4105A>G, p.Lys1369Glu (NM_001354897.2); c.4000A>G, p.Lys1334Glu (NM_001354898.2); c.3991A>G, p.Lys1331Glu (NM_001354899.2); c.3952A>G, p.Lys1318Glu (NM_001354900.2); c.3898A>G, p.Lys1300Glu (NM_001354901.2); and 5 more; short protein forms K1199E, K1233E, K1331E, K1076E, K1268E, K1359E, K1300E, K1318E.
Identifiers: ClinVar variation 1471960 (VCV001471960.7), dbSNP rs863225352, ClinGen allele CA16030257.
Genomic context (GRCh38, chr5:112,839,669, plus strand): 5'-GGTTCTAGTTTATCTTCAGAATCAGCCAGGCACAAAGCTGTTGAATTTTCTTCAGGAGCG[A>G]AATCTCCCTCCAAAAGTGGTGCTCAGACACCCAAAAGTCCACCTGAACACTATGTTCAGG-3'
Protein context (NP_000029.2, residues 1349-1369): HKAVEFSSGA[Lys1359Glu]SPSKSGAQTP